The following is an entry in ClinVar:

ClinVar aggregate classification (germline): Uncertain significance (1 of 4 stars; one submission).

Allele frequency attached by ClinVar (database versions not stated): gnomAD exomes below 0.00001.

Submission:

Ambry Genetics
Classification: Uncertain significance. Last evaluated: 2023-12-21. Review status: criteria provided, single submitter. Criteria: Ambry Variant Classification Scheme 2023. Collection method: clinical testing. Allele origin: germline.
Comment: The p.N260S variant (also known as c.779A>G), located in coding exon 8 of the BUB1 gene, results from an A to G substitution at nucleotide position 779. The asparagine at codon 260 is replaced by serine, an amino acid with highly similar properties. This amino acid position is conserved. In addition, this alteration is predicted to be tolerated by in silico analysis. Since supporting evidence is limited at this time, the clinical significance of this alteration remains unclear.

NM_004336.5(BUB1):c.779A>G (p.Asn260Ser)

Gene: BUB1 (BUB1 mitotic checkpoint serine/threonine kinase; minus strand). Cytogenetic location: 2q13.
Variant type: single nucleotide variant.
Coding change: c.779A>G on transcript NM_004336.5 (MANE Select); coding-DNA position 779, A replaced by G.
Protein change: p.Asn260Ser; replaces asparagine 260 with serine.
Molecular consequence: missense variant.
Genome position (GRCh38, 1-based): chr2:110,667,547, T>C on the plus strand (A>G on the coding strand, the complement: BUB1 is on the minus strand). VCF-style: chr2-110667547-T-C. GRCh37 (hg19) VCF-style: chr2-111425124-T-C.
Other names: c.719A>G, p.Asn240Ser (NM_001278616.2); c.779A>G, p.Asn260Ser (NM_001278617.2); short protein forms N240S, N260S.
Identifiers: ClinVar variation 1760663 (VCV001760663.2), dbSNP rs1326920001, ClinGen allele CA348217492.